The following is an entry in ClinVar:

ClinVar aggregate classification (germline): Benign. Review status: criteria provided, multiple submitters, no conflicts (2 of 4 stars). 2 submissions from 2 submitters: Benign (2). Last evaluated 2026-05-26.

Conditions:
KMT2D-related disorder. Also called: KMT2D-Related Disorders.
Kabuki syndrome. Also called: Kabuki make-up syndrome; NIIKAWA-KUROKI SYNDROME. Identifiers: Orphanet 2322, MedGen C0796004, MONDO:0016512.

Allele frequency attached by ClinVar (database versions not stated): TOPMed 0.00006; 1000 Genomes Project 30x 0.00016; 1000 Genomes Project 0.00020.
gnomAD v4.1: 73 of 1,512,002 alleles (0.0048%); highest among the groups gnomAD compares: Middle Eastern, 0.018%; no homozygotes.

Submissions (2):

PreventionGenetics, part of Exact Sciences
Classification: Benign for KMT2D-related condition. Last evaluated: 2026-05-26. Review status: criteria provided, single submitter. Criteria: ACMG Guidelines, 2015. Collection method: clinical testing. Allele origin: germline.
Comment: This variant is classified as benign based on ACMG/AMP sequence variant interpretation guidelines (Richards et al. 2015 PMID: 25741868, with internal and published modifications).

Labcorp Genetics (formerly Invitae), Labcorp
Classification: Benign for Kabuki syndrome. Last evaluated: 2025-07-15. Review status: criteria provided, single submitter. Criteria: Invitae Variant Classification Sherloc (09022015). Collection method: clinical testing. Allele origin: germline.

NM_003482.4(KMT2D):c.6563G>A (p.Arg2188His)

Gene: KMT2D (lysine methyltransferase 2D; minus strand). Cytogenetic location: 12q13.12.
Variant type: single nucleotide variant.
Coding change: c.6563G>A on transcript NM_003482.4 (MANE Select); coding-DNA position 6563, G replaced by A.
Protein change: p.Arg2188His; replaces arginine 2188 with histidine.
Molecular consequence: missense variant.
Genome position (GRCh38, 1-based): chr12:49,041,207, C>T on the plus strand (G>A on the coding strand, the complement: KMT2D is on the minus strand). VCF-style: chr12-49041207-C-T. GRCh37 (hg19) VCF-style: chr12-49434990-C-T.
Other names: c.6563G>A (NM_003482.3); short protein forms R2188H.
Identifiers: ClinVar variation 1437365 (VCV001437365.7), dbSNP rs541122919, ClinGen allele CA6547234.